The following is an entry in ClinVar:

ClinVar aggregate classification (germline): Uncertain significance. Review status: criteria provided, multiple submitters, no conflicts (2 of 4 stars). 5 submissions from 5 submitters: Uncertain significance (4). 1 of the submissions does not count toward it. Last evaluated 2024-10-18.

Conditions:
Glycogen storage disease, type II (IOPD). Also called: GLYCOGENOSIS, GENERALIZED, CARDIAC FORM; GSD II; Glycogen storage disease type 2; Acid maltase deficiency disease; Aglucosidase alfa; Deficiency of alpha-glucosidase. Identifiers: Orphanet 365, MedGen C0017921, MONDO:0009290, OMIM 232300.

Allele frequency attached by ClinVar (database versions not stated): TOPMed 0.00003; ExAC 0.00004; gnomAD 0.00004; gnomAD exomes 0.00004.
gnomAD v4.1: 59 of 1,612,606 alleles (0.0037%); highest among the groups gnomAD compares: Non-Finnish European, 0.0044%; no homozygotes.

Submissions (5):

Blueprint Genetics
Classification: Uncertain significance. Last evaluated: 2024-10-18. Review status: criteria provided, single submitter. Criteria: ACMG Guidelines, 2015. Collection method: clinical testing. Allele origin: germline.

Labcorp Genetics (formerly Invitae), Labcorp
Classification: Uncertain significance for Glycogen storage disease, type II. Last evaluated: 2022-08-23. Review status: criteria provided, single submitter. Criteria: Invitae Variant Classification Sherloc (09022015). Collection method: clinical testing. Allele origin: germline.
Comment: This sequence change replaces phenylalanine, which is neutral and non-polar, with leucine, which is neutral and non-polar, at codon 396 of the GAA protein (p.Phe396Leu). This variant is present in population databases (rs756126944, gnomAD 0.008%). This variant has not been reported in the literature in individuals affected with GAA-related conditions. ClinVar contains an entry for this variant (Variation ID: 290186). Algorithms developed to predict the effect of missense changes on protein structure and function (SIFT, PolyPhen-2, Align-GVGD) all suggest that this variant is likely to be tolerated. In summary, the available evidence is currently insufficient to determine the role of this variant in disease. Therefore, it has been classified as a Variant of Uncertain Significance.

Genome-Nilou Lab
Classification: Uncertain significance for Glycogen storage disease, type II. Last evaluated: 2021-09-05. Review status: criteria provided, single submitter. Criteria: ACMG Guidelines, 2015. Collection method: clinical testing. Allele origin: germline. Affected: no.

Eurofins Ntd Llc (ga)
Classification: Uncertain significance. Last evaluated: 2016-08-09. Review status: criteria provided, single submitter. Criteria: EGL Classification Definitions 2015. Collection method: clinical testing. Allele origin: germline. Observed: 2 variant alleles, 2 heterozygotes.

Natera, Inc.
Classification: Uncertain significance for Glycogen storage disease type II. Last evaluated: 2019-10-28. Review status: no assertion criteria provided. Collection method: clinical testing. Allele origin: germline. Not counted in ClinVar's aggregate classification.

NM_000152.5(GAA):c.1188C>G (p.Phe396Leu)

Gene: GAA (alpha glucosidase; plus strand). Cytogenetic location: 17q25.3.
Variant type: single nucleotide variant.
Coding change: c.1188C>G on transcript NM_000152.5 (MANE Select); coding-DNA position 1188, C replaced by G.
Protein change: p.Phe396Leu; replaces phenylalanine 396 with leucine.
Molecular consequence: missense variant.
Genome position (GRCh38, 1-based): chr17:80,108,601, C>G. VCF-style: chr17-80108601-C-G. GRCh37 (hg19) VCF-style: chr17-78082400-C-G.
Other names: c.1188C>G (LRG_673t1); c.1188C>G, p.Phe396Leu (NM_001079803.3, NM_001079804.3); short protein forms F396L.
Identifiers: ClinVar variation 290186 (VCV000290186.17), dbSNP rs756126944, ClinGen allele CA8815195.